The following is an entry in ClinVar:

NM_000352.6(ABCC8):c.3800T>C (p.Ile1267Thr)

Gene: ABCC8 (ATP binding cassette subfamily C member 8; minus strand). Cytogenetic location: 11p15.1.
Variant type: single nucleotide variant.
Coding change: c.3800T>C on transcript NM_000352.6 (MANE Select); coding-DNA position 3800, T replaced by C.
Protein change: p.Ile1267Thr; replaces isoleucine 1267 with threonine.
Molecular consequence: missense variant. On other transcripts: non-coding transcript variant (1).
Genome position (GRCh38, 1-based): chr11:17,397,751, A>G on the plus strand (T>C on the coding strand, the complement: ABCC8 is on the minus strand). VCF-style: chr11-17397751-A-G. GRCh37 (hg19) VCF-style: chr11-17419298-A-G.
Other names: c.3803T>C, p.Ile1268Thr (NM_001287174.3); c.3866T>C, p.Ile1289Thr (NM_001351295.2); c.3800T>C, p.Ile1267Thr (NM_001351296.2); c.3797T>C, p.Ile1266Thr (NM_001351297.2); short protein forms I1266T, I1268T, I1267T, I1289T.
Identifiers: ClinVar variation 2849305 (VCV002849305.3), dbSNP rs2496470092, ClinGen allele CA379793445.

ClinVar aggregate classification (germline): Uncertain significance (1 of 4 stars; one submission).

Submission:

Labcorp Genetics (formerly Invitae), Labcorp
Classification: Uncertain significance. Last evaluated: 2023-03-27. Review status: criteria provided, single submitter. Criteria: Invitae Variant Classification Sherloc (09022015). Collection method: clinical testing. Allele origin: germline.
Comment: In summary, the available evidence is currently insufficient to determine the role of this variant in disease. Therefore, it has been classified as a Variant of Uncertain Significance. This sequence change replaces isoleucine, which is neutral and non-polar, with threonine, which is neutral and polar, at codon 1267 of the ABCC8 protein (p.Ile1267Thr). This variant is not present in population databases (gnomAD no frequency). This variant has not been reported in the literature in individuals affected with ABCC8-related conditions. Advanced modeling of protein sequence and biophysical properties (such as structural, functional, and spatial information, amino acid conservation, physicochemical variation, residue mobility, and thermodynamic stability) performed at Invitae indicates that this missense variant is expected to disrupt ABCC8 protein function.